The following is an entry in ClinVar:

NM_000075.4(CDK4):c.523-6C>T

Gene: CDK4 (cyclin dependent kinase 4; minus strand). Cytogenetic location: 12q14.1.
Variant type: single nucleotide variant.
Coding change: c.523-6C>T on transcript NM_000075.4 (MANE Select); 6 bases into the intron before coding-DNA position 523, C replaced by T.
Molecular consequence: intron variant.
Genome position (GRCh38, 1-based): chr12:57,750,771, G>A on the plus strand (C>T on the coding strand, the complement: CDK4 is on the minus strand). VCF-style: chr12-57750771-G-A. GRCh37 (hg19) VCF-style: chr12-58144554-G-A.
Identifiers: ClinVar variation 3379050 (VCV003379050.1).

ClinVar aggregate classification (germline): Likely benign (1 of 4 stars; one submission).

Conditions:
Melanoma, cutaneous malignant, susceptibility to, 3. Also called: Cutaneous malignant melanoma 3. Identifiers: Orphanet 618, MedGen C1836892, MONDO:0012183, OMIM 609048.

gnomAD v4.1: 1 of 1,611,966 alleles (0.000062%); highest among the groups gnomAD compares: East Asian, 0.0022%; no homozygotes.

Submission:

Myriad Genetics, Inc.
Classification: Likely benign for Melanoma, cutaneous malignant, susceptibility to, 3. Last evaluated: 2024-09-26. Review status: criteria provided, single submitter. Criteria: Myriad Autosomal Dominant, Autosomal Recessive and X-Linked Classification Criteria (2023). Collection method: clinical testing. Allele origin: unknown.
Comment: This variant is considered likely benign. This variant is intronic and is not expected to impact mRNA splicing.